The following is an entry in ClinVar:

NM_173477.5(USH1G):c.-8C>T

Gene: USH1G (USH1 protein network component sans; minus strand). Cytogenetic location: 17q25.1.
Variant type: single nucleotide variant.
Coding change: c.-8C>T on transcript NM_173477.5 (MANE Select); 8 bases upstream of the start codon, C replaced by T.
Molecular consequence: 5 prime UTR variant.
Genome position (GRCh38, 1-based): chr17:74,923,081, G>A on the plus strand (C>T on the coding strand, the complement: USH1G is on the minus strand). VCF-style: chr17-74923081-G-A. GRCh37 (hg19) VCF-style: chr17-72919176-G-A.
Other names: c.-264C>T (NM_001282489.3).
Identifiers: ClinVar variation 229611 (VCV000229611.10), dbSNP rs769903865, ClinGen allele CA8754144.
Genomic context (GRCh38, chr17:74,923,081, plus strand): 5'-TTGAGGAGCTCCAGGTAGCCATCCCGGGCTGCCCGGTGGTACTGGTCGTTCATGGCGCCC[G>A]AAGTGGACGGGGCGGGCGGGGGACACGGAGAAAGGCCCCCCGCAGGGGAGGGCGGCGGTA-3'

ClinVar aggregate classification (germline): Conflicting classifications of pathogenicity. Review status: criteria provided, conflicting classifications (1 of 4 stars). 3 submissions from 3 submitters: Uncertain significance (2); Likely benign (1). Last evaluated 2024-11-07.

Conditions:
Usher syndrome type 1G. Also called: USHER SYNDROME, TYPE IG, MILD. Identifiers: Orphanet 231169, Orphanet 886, MedGen C1847089, MONDO:0011748, OMIM 606943.

Allele frequency attached by ClinVar (database versions not stated): gnomAD 0.00021 and 0.00023; TOPMed 0.00022; gnomAD exomes 0.00025 and 0.00032; ExAC 0.00065.

Submissions (3):

Blueprint Genetics
Classification: Likely benign. Last evaluated: 2024-11-07. Review status: criteria provided, single submitter. Criteria: ACMG Guidelines, 2015. Collection method: clinical testing. Allele origin: germline.

Illumina Laboratory Services, Illumina
Classification: Uncertain significance for Usher syndrome type 1G. Last evaluated: 2017-04-28. Review status: criteria provided, single submitter. Criteria: ICSL Variant Classification Criteria 13 December 2019. Collection method: clinical testing. Allele origin: germline.
Comment: This variant was observed as part of a predisposition screen in an ostensibly healthy population. A literature search was performed for the gene, cDNA change, and amino acid change (where applicable). Publications were found based on this search. However, the evidence from the literature, in combination with allele frequency data from public databases where available, was not sufficient to rule this variant in or out of causing disease. Therefore, this variant is classified as a variant of unknown significance.

Laboratory for Molecular Medicine, Mass General Brigham Personalized Medicine
Classification: Uncertain significance. Last evaluated: 2015-01-06. Review status: criteria provided, single submitter. Criteria: LMM Criteria. Collection method: clinical testing. Allele origin: germline. Observed: 1 variant allele.

Literature cited by the submitters: PubMed 17896313 (cited by Illumina Laboratory Services, Illumina).